The following is an entry in ClinVar:

NM_207361.6(FREM2):c.3931G>T (p.Gly1311Ter)

Gene: FREM2 (FRAS1 related extracellular matrix 2; plus strand). Cytogenetic location: 13q13.3.
Variant type: single nucleotide variant.
Coding change: c.3931G>T on transcript NM_207361.6 (MANE Select); coding-DNA position 3931, G replaced by T.
Protein change: p.Gly1311Ter; replaces glycine 1311 with a stop codon.
Molecular consequence: nonsense.
Genome position (GRCh38, 1-based): chr13:38,691,275, G>T. VCF-style: chr13-38691275-G-T. GRCh37 (hg19) VCF-style: chr13-39265412-G-T.
Other names: short protein forms G1311*.
Identifiers: ClinVar variation 2872616 (VCV002872616.3), dbSNP rs770735132, ClinGen allele CA6954884.
Genomic context (GRCh38, chr13:38,691,275, plus strand): 5'-ACGGTCCTCATTATAGTTATCCCTGTTGATGATGAGACGCCCAGAATGACTATCAATAAT[G>T]GACTAGAAATAGAAATTGGGGATACCAAGATTATCAACAACAAAATATTAATGGCAACAG-3'

ClinVar aggregate classification (germline): Pathogenic (1 of 4 stars; one submission).

Allele frequency attached by ClinVar (database versions not stated): ExAC 0.00001.
gnomAD v4.1: 4 of 1,613,736 alleles (0.00025%); highest among the groups gnomAD compares: Admixed American, 0.0067%; no homozygotes.

Submission:

Labcorp Genetics (formerly Invitae), Labcorp
Classification: Pathogenic. Last evaluated: 2023-02-21. Review status: criteria provided, single submitter. Criteria: Invitae Variant Classification Sherloc (09022015). Collection method: clinical testing. Allele origin: germline.
Comment: This variant is present in population databases (rs770735132, gnomAD 0.01%). This sequence change creates a premature translational stop signal (p.Gly1311*) in the FREM2 gene. It is expected to result in an absent or disrupted protein product. Loss-of-function variants in FREM2 are known to be pathogenic (PMID: 18203166, 26552811). This variant has not been reported in the literature in individuals affected with FREM2-related conditions. For these reasons, this variant has been classified as Pathogenic.

Literature cited by the submitters: PubMed 18203166; PubMed 26552811.